The following is an entry in ClinVar:

ClinVar aggregate classification (germline): Conflicting classifications of pathogenicity. Review status: criteria provided, conflicting classifications (1 of 4 stars). 4 submissions from 4 submitters: Uncertain significance (1); Benign (1); Likely benign (1). 1 of the submissions does not count toward it. Last evaluated 2026-01-05.

Conditions:
KMT2D-related disorder. Also called: KMT2D-Related Disorders.
Kabuki syndrome 1 (KABUK1). Also called: KMT2D-Related Kabuki Syndrome. Identifiers: Orphanet 2322, MedGen CN030661, MONDO:0007843, OMIM 147920.
Choanal atresia-athelia-hypothyroidism-delayed puberty-short stature syndrome (BCAHH). Also called: BRANCHIAL ARCH ABNORMALITIES, CHOANAL ATRESIA, ATHELIA, HEARING LOSS, AND HYPOTHYROIDISM SYNDROME. Identifiers: Orphanet 589856, MedGen C5680310, MONDO:0035651, OMIM 620186.
Kabuki syndrome. Also called: NIIKAWA-KUROKI SYNDROME; Kabuki make-up syndrome. Identifiers: Orphanet 2322, MedGen C0796004, MONDO:0016512.

Submissions (4):

Labcorp Genetics (formerly Invitae), Labcorp
Classification: Likely benign for Kabuki syndrome. Last evaluated: 2026-01-05. Review status: criteria provided, single submitter. Criteria: Invitae Variant Classification Sherloc (09022015). Collection method: clinical testing. Allele origin: germline.

GeneDx
Classification: Benign. Last evaluated: 2021-09-02. Review status: criteria provided, single submitter. Criteria: GeneDx Variant Classification Process June 2021. Collection method: clinical testing. Allele origin: germline. Affected: yes.

Center for Genomics, Ann and Robert H. Lurie Children's Hospital of Chicago
Classification: Uncertain significance for Choanal atresia-athelia-hypothyroidism-delayed puberty-short stature syndrome; Kabuki syndrome 1. Review status: criteria provided, single submitter. Criteria: ACMG Guidelines, 2015. Collection method: clinical testing. Allele origin: germline.
Comment: KMT2D NM_003482.4 exon 11 p.Ala899_Pro903del (c.2694_2708del): This variant has not been reported in the literature, but is present in 0.1% (30/26660) of Latino alleles in the Genome Aggregation Database. Evolutionary conservation and computational predictive tools for this variant are limited or unavailable. This variant represents an in-frame deletion of 5 amino acids at position 899 to 903 and is not predicted to alter the reading frame. However, the effect of this variant on the protein is unclear. In summary, data on this variant is insufficient for disease classification. Therefore, the clinical significance of this variant is uncertain.

PreventionGenetics, part of Exact Sciences
Classification: Likely benign for KMT2D-related condition. Last evaluated: 2024-09-25. Review status: no assertion criteria provided. Collection method: clinical testing. Allele origin: germline. Not counted in ClinVar's aggregate classification.
Comment: This variant is classified as likely benign based on ACMG/AMP sequence variant interpretation guidelines (Richards et al. 2015 PMID: 25741868, with internal and published modifications).

NM_003482.4(KMT2D):c.2694_2708del (p.Ala899_Pro903del)

Gene: KMT2D (lysine methyltransferase 2D; minus strand). Cytogenetic location: 12q13.12.
Variant type: Deletion.
Coding change: c.2694_2708del on transcript NM_003482.4 (MANE Select); coding-DNA positions 2694 to 2708, 15 bases deleted (AGCCCTGTCTGAGCC).
Protein change: p.Ala899_Pro903del.
Molecular consequence: inframe deletion.
Genome position (GRCh38, 1-based): chr12:49,050,975-49,050,989, GGCTCAGACAGGGCT deleted on the plus strand (AGCCCTGTCTGAGCC on the coding strand, the reverse complement: KMT2D is on the minus strand); deleting any 15 consecutive bases within chr12:49,050,975-49,050,994 gives the same sequence; the c. name uses the placement nearest the transcript's 3' end. VCF-style (leftmost placement, unchanged base first): chr12-49050974-AGGCTCAGACAGGGCT-A. GRCh37 (hg19) VCF-style: chr12-49444757-AGGCTCAGACAGGGCT-A.
Other names: c.2694_2708del15 (NM_003482.3).
Identifiers: ClinVar variation 1302886 (VCV001302886.12), dbSNP rs759557020, ClinGen allele CA6548206.